The following is an entry in ClinVar:

ClinVar aggregate classification (germline): Likely benign (0 of 4 stars; one submission).

Conditions:
L3MBTL1-related disorder. Also called: L3MBTL1-related condition.

Allele frequency attached by ClinVar (database versions not stated): gnomAD 0.00005; TOPMed 0.00006; ExAC 0.00014.

Submission:

PreventionGenetics, part of Exact Sciences
Classification: Likely benign for L3MBTL1-related condition. Last evaluated: 2020-04-21. Review status: no assertion criteria provided. Collection method: clinical testing. Allele origin: germline.
Comment: This variant is classified as likely benign based on ACMG/AMP sequence variant interpretation guidelines (Richards et al. 2015 PMID: 25741868, with internal and published modifications).

NM_001377303.1(L3MBTL1):c.361-57G>T

Gene: L3MBTL1 (L3MBTL histone methyl-lysine binding protein 1; plus strand). Cytogenetic location: 20q13.12.
Variant type: single nucleotide variant.
Coding change: c.361-57G>T on transcript NM_001377303.1 (MANE Select); 57 bases into the intron before coding-DNA position 361, G replaced by T.
Molecular consequence: intron variant. On other transcripts: nonsense (5), non-coding transcript variant (7).
Genome position (GRCh38, 1-based): chr20:43,514,578, G>T. VCF-style: chr20-43514578-G-T. GRCh37 (hg19) VCF-style: chr20-42143218-G-T.
Other names: c.34G>T, p.Glu12Ter (NM_001377307.1, NM_001377308.1, NM_001377309.1 and 2 more transcripts); c.361-57G>T (NM_001377306.1); c.-30-57G>T (NM_001377311.1); c.295-57G>T (NM_032107.5); short protein forms E12*.
Identifiers: ClinVar variation 3055189 (VCV003055189.2), dbSNP rs201751468, ClinGen allele CA9865384.